The following is an entry in ClinVar:

ClinVar aggregate classification (germline): Uncertain significance (1 of 4 stars; one submission).

Conditions:
Mucopolysaccharidosis, MPS-III-C (MPS3C). Also called: SANFILIPPO SYNDROME C; MPS III C; MPS IIIC (Sanfilippo Syndrome Type C); MUCOPOLYSACCHARIDOSIS, TYPE IIIC; Mucopolysaccharidosis type IIIC (Sanfilippo C); mucopolysaccharidosis type 3C. Identifiers: Orphanet 581, Orphanet 79271, MedGen C0086649, MONDO:0009657, OMIM 252930.
Retinitis pigmentosa 73 (RP73). Identifiers: Orphanet 791, MedGen C4225287, MONDO:0014687, OMIM 616544.

gnomAD v4.1: 1 of 1,610,684 alleles (0.000062%); highest among the groups gnomAD compares: Non-Finnish European, 0.000085%; no homozygotes.

Submission:

Labcorp Genetics (formerly Invitae), Labcorp
Classification: Uncertain significance for Retinitis pigmentosa 73; Mucopolysaccharidosis, MPS-III-C. Last evaluated: 2025-05-05. Review status: criteria provided, single submitter. Criteria: Invitae Variant Classification Sherloc (09022015). Collection method: clinical testing. Allele origin: germline.
Comment: This sequence change replaces isoleucine, which is neutral and non-polar, with methionine, which is neutral and non-polar, at codon 58 of the HGSNAT protein (p.Ile58Met). This variant is not present in population databases (gnomAD no frequency). This variant has not been reported in the literature in individuals affected with HGSNAT-related conditions. ClinVar contains an entry for this variant (Variation ID: 1447819). Invitae Evidence Modeling of protein sequence and biophysical properties (such as structural, functional, and spatial information, amino acid conservation, physicochemical variation, residue mobility, and thermodynamic stability) indicates that this missense variant is not expected to disrupt HGSNAT protein function with a negative predictive value of 95%. In summary, the available evidence is currently insufficient to determine the role of this variant in disease. Therefore, it has been classified as a Variant of Uncertain Significance.

NM_152419.3(HGSNAT):c.174C>G (p.Ile58Met)

Gene: HGSNAT (heparan-alpha-glucosaminide N-acetyltransferase; plus strand). Cytogenetic location: 8p11.21.
Variant type: single nucleotide variant.
Coding change: c.174C>G on transcript NM_152419.3 (MANE Select); coding-DNA position 174, C replaced by G.
Protein change: p.Ile58Met; replaces isoleucine 58 with methionine.
Molecular consequence: missense variant. On other transcripts: 5 prime UTR variant (1).
Genome position (GRCh38, 1-based): chr8:43,147,003, C>G. VCF-style: chr8-43147003-C-G. GRCh37 (hg19) VCF-style: chr8-43002146-C-G.
Other names: c.174C>G, p.Ile58Met (NM_001363227.2, NM_001363228.2); c.-660C>G (NM_001363229.2); short protein forms I58M.
Identifiers: ClinVar variation 1447819 (VCV001447819.6), dbSNP rs749911696, ClinGen allele CA371124857.